The following is an entry in ClinVar:

NM_012338.4(TSPAN12):c.214del (p.Cys72fs)

Gene: TSPAN12 (tetraspanin 12; minus strand). Cytogenetic location: 7q31.31.
Variant type: Deletion.
Coding change: c.214del on transcript NM_012338.4 (MANE Select); coding-DNA position 214, one base deleted (T; older notation c.214delT).
Protein change: p.Cys72fs; shifts the reading frame from cysteine 72.
Molecular consequence: frameshift variant.
Genome position (GRCh38, 1-based): chr7:120,838,848, A deleted on the plus strand (T on the coding strand, the reverse complement: TSPAN12 is on the minus strand). VCF-style (leftmost placement, unchanged base first): chr7-120838847-CA-C. GRCh37 (hg19) VCF-style: chr7-120478901-CA-C.
Other names: short protein forms C72fs.
Identifiers: ClinVar variation 2866662 (VCV002866662.3), dbSNP rs2485420226, ClinGen allele CA2739277869.

ClinVar aggregate classification (germline): Pathogenic (1 of 4 stars; one submission).

Submission:

Labcorp Genetics (formerly Invitae), Labcorp
Classification: Pathogenic. Last evaluated: 2023-07-26. Review status: criteria provided, single submitter. Criteria: Invitae Variant Classification Sherloc (09022015). Collection method: clinical testing. Allele origin: germline.
Comment: For these reasons, this variant has been classified as Pathogenic. This variant has not been reported in the literature in individuals affected with TSPAN12-related conditions. This variant is not present in population databases (gnomAD no frequency). This sequence change creates a premature translational stop signal (p.Cys72Valfs*9) in the TSPAN12 gene. It is expected to result in an absent or disrupted protein product. Loss-of-function variants in TSPAN12 are known to be pathogenic (PMID: 20159112, 21334594).

Literature cited by the submitters: PubMed 20159112; PubMed 21334594.